The following is an entry in ClinVar:

NM_000141.5(FGFR2):c.455G>T (p.Arg152Ile)

Gene: FGFR2 (fibroblast growth factor receptor 2; minus strand). Cytogenetic location: 10q26.13.
Variant type: single nucleotide variant.
Coding change: c.455G>T on transcript NM_000141.5 (MANE Select); coding-DNA position 455, G replaced by T.
Protein change: p.Arg152Ile; replaces arginine 152 with isoleucine.
Molecular consequence: missense variant. On other transcripts: non-coding transcript variant (1).
Genome position (GRCh38, 1-based): chr10:121,551,459, C>A on the plus strand (G>T on the coding strand, the complement: FGFR2 is on the minus strand). VCF-style: chr10-121551459-C-A. GRCh37 (hg19) VCF-style: chr10-123310973-C-A.
Other names: c.455G>T, p.Arg152Ile (NM_001144913.1, NM_001144914.1, NM_001144917.2 and 2 more transcripts); c.188G>T, p.Arg63Ile (NM_001144915.2, NM_001144919.2, NM_023029.3); c.110G>T, p.Gly37Val (NM_001144916.2, NM_001144918.2); short protein forms G37V, R152I, R63I.
Identifiers: ClinVar variation 3233840 (VCV003233840.2), dbSNP rs2134843752, ClinGen allele CA378320563.

ClinVar aggregate classification (germline): Uncertain significance (1 of 4 stars; one submission).

Submission:

Women's Health and Genetics/Laboratory Corporation of America, LabCorp
Classification: Uncertain significance. Last evaluated: 2024-03-21. Review status: criteria provided, single submitter. Criteria: LabCorp Variant Classification Summary - May 2015. Collection method: clinical testing. Allele origin: germline.
Comment: Variant summary: FGFR2 c.455G>T (p.Arg152Ile) results in a non-conservative amino acid change in the encoded protein sequence. Three of five in-silico tools predict a benign effect of the variant on protein function. Several computational tools predict a significant impact on normal splicing: Two predict the variant weakens a canonical 3' acceptor site. One predict the variant abolishes a canonical 3' acceptor site. However, these predictions have yet to be confirmed by functional studies. The variant was absent in 251376 control chromosomes (gnomAD). The available data on variant occurrences in the general population are insufficient to allow any conclusion about variant significance. To our knowledge, no occurrence of c.455G>T in individuals affected with FGFR2-Related Disorders and no experimental evidence demonstrating its impact on protein function have been reported. No submitters have cited clinical-significance assessments for this variant to ClinVar. Based on the evidence outlined above, the variant was classified as uncertain significance.